The following is an entry in ClinVar:

NM_017947.4(MOCOS):c.799G>A (p.Gly267Arg)

Gene: MOCOS (molybdenum cofactor sulfurase; plus strand). Cytogenetic location: 18q12.2.
Variant type: single nucleotide variant.
Coding change: c.799G>A on transcript NM_017947.4 (MANE Select); coding-DNA position 799, G replaced by A.
Protein change: p.Gly267Arg; replaces glycine 267 with arginine.
Molecular consequence: missense variant.
Genome position (GRCh38, 1-based): chr18:36,200,182, G>A. VCF-style: chr18-36200182-G-A. GRCh37 (hg19) VCF-style: chr18-33780145-G-A.
Other names: short protein forms G267R.
Identifiers: ClinVar variation 1471399 (VCV001471399.7), dbSNP rs370660891, ClinGen allele CA8940511.

ClinVar aggregate classification (germline): Uncertain significance. Review status: criteria provided, multiple submitters, no conflicts (2 of 4 stars). 2 submissions from 2 submitters: Uncertain significance (2). Last evaluated 2024-03-11.

Conditions:
Xanthinuria type II. Also called: Xanthine dehydrogenase and aldehyde oxidase combined deficiency of; XDH and AOX dual deficiency. Identifiers: Orphanet 3467, Orphanet 93602, MedGen C1863688, MONDO:0011346, OMIM 603592.

Allele frequency attached by ClinVar (database versions not stated): gnomAD exomes below 0.00001 and 0.00002; gnomAD 0.00001; TOPMed 0.00001; ExAC 0.00002; ESP Exome Variant Server 0.00008.

Submissions (2):

Fulgent Genetics
Classification: Uncertain significance for Xanthinuria type II. Last evaluated: 2024-03-11. Review status: criteria provided, single submitter. Criteria: ACMG Guidelines, 2015. Collection method: clinical testing. Allele origin: germline.

Labcorp Genetics (formerly Invitae), Labcorp
Classification: Uncertain significance for Xanthinuria type II. Last evaluated: 2022-07-29. Review status: criteria provided, single submitter. Criteria: Invitae Variant Classification Sherloc (09022015). Collection method: clinical testing. Allele origin: germline.
Comment: This sequence change replaces glycine, which is neutral and non-polar, with arginine, which is basic and polar, at codon 267 of the MOCOS protein (p.Gly267Arg). This variant is present in population databases (rs370660891, gnomAD 0.01%). In summary, the available evidence is currently insufficient to determine the role of this variant in disease. Therefore, it has been classified as a Variant of Uncertain Significance. Algorithms developed to predict the effect of sequence changes on RNA splicing suggest that this variant may disrupt the consensus splice site. Algorithms developed to predict the effect of missense changes on protein structure and function are either unavailable or do not agree on the potential impact of this missense change (SIFT: "Deleterious"; PolyPhen-2: "Probably Damaging"; Align-GVGD: "Class C0"). ClinVar contains an entry for this variant (Variation ID: 1471399). This variant has not been reported in the literature in individuals affected with MOCOS-related conditions.